The following is an entry in ClinVar:

ClinVar aggregate classification (germline): Uncertain significance (1 of 4 stars; one submission).

Allele frequency attached by ClinVar (database versions not stated): ExAC 0.00002; gnomAD 0.00003 and 0.00004; gnomAD exomes 0.00003; TOPMed 0.00006; ESP Exome Variant Server 0.00008.
gnomAD v4.1: 40 of 1,614,104 alleles (0.0025%); highest among the groups gnomAD compares: Admixed American, 0.0083%; no homozygotes.

Submission:

Labcorp Genetics (formerly Invitae), Labcorp
Classification: Uncertain significance. Last evaluated: 2022-06-27. Review status: criteria provided, single submitter. Criteria: Invitae Variant Classification Sherloc (09022015). Collection method: clinical testing. Allele origin: germline.
Comment: In summary, the available evidence is currently insufficient to determine the role of this variant in disease. Therefore, it has been classified as a Variant of Uncertain Significance. Algorithms developed to predict the effect of missense changes on protein structure and function are either unavailable or do not agree on the potential impact of this missense change (SIFT: "Tolerated"; PolyPhen-2: "Probably Damaging"; Align-GVGD: "Class C0"). This variant has not been reported in the literature in individuals affected with SLCO5A1-related conditions. This variant is present in population databases (rs149130588, gnomAD 0.01%). This sequence change replaces arginine, which is basic and polar, with glutamine, which is neutral and polar, at codon 618 of the SLCO5A1 protein (p.Arg618Gln).

NM_030958.3(SLCO5A1):c.1853G>A (p.Arg618Gln)

Gene: SLCO5A1 (solute carrier organic anion transporter family member 5A1; minus strand). Cytogenetic location: 8q13.3.
Variant type: single nucleotide variant.
Coding change: c.1853G>A on transcript NM_030958.3 (MANE Select); coding-DNA position 1853, G replaced by A.
Protein change: p.Arg618Gln; replaces arginine 618 with glutamine.
Molecular consequence: missense variant.
Genome position (GRCh38, 1-based): chr8:69,679,549, C>T on the plus strand (G>A on the coding strand, the complement: SLCO5A1 is on the minus strand). VCF-style: chr8-69679549-C-T. GRCh37 (hg19) VCF-style: chr8-70591784-C-T.
Other names: c.1853G>A, p.Arg618Gln (NM_001146008.2); c.1688G>A, p.Arg563Gln (NM_001146009.1); short protein forms R618Q, R563Q.
Identifiers: ClinVar variation 1410575 (VCV001410575.6), dbSNP rs149130588, ClinGen allele CA4776473.
Genomic context (GRCh38, chr8:69,679,549, plus strand): 5'-GACACAGCATAGCCGTTCTCATTGAGATAAGTCTTGACAATAACCACACGGAGCTGACTT[C>T]GCTGTCCCACGGTGGGTGGAGTGATCACTTGGCGACTTTGGACACAGGTGCATTCTGTAT-3'
Protein context (NP_112220.2, residues 608-628): QVITPPTVGQ[Arg618Gln]SQLRVVIVKT